The following is an entry in ClinVar:

NM_006516.4(SLC2A1):c.889A>G (p.Ile297Val)

Gene: SLC2A1 (solute carrier family 2 member 1; minus strand). Cytogenetic location: 1p34.2.
Variant type: single nucleotide variant.
Coding change: c.889A>G on transcript NM_006516.4 (MANE Select); coding-DNA position 889, A replaced by G.
Protein change: p.Ile297Val; replaces isoleucine 297 with valine.
Molecular consequence: missense variant.
Genome position (GRCh38, 1-based): chr1:42,929,293, T>C on the plus strand (A>G on the coding strand, the complement: SLC2A1 is on the minus strand). VCF-style: chr1-42929293-T-C. GRCh37 (hg19) VCF-style: chr1-43394964-T-C.
Other names: short protein forms I297V.
Identifiers: ClinVar variation 2088592 (VCV002088592.4), dbSNP rs1643461608, ClinGen allele CA339956879.

ClinVar aggregate classification (germline): Uncertain significance (1 of 4 stars; one submission).

Conditions:
GLUT1 deficiency syndrome 1, autosomal recessive. Identifiers: MedGen C3149117.

Allele frequency attached by ClinVar (database versions not stated): TOPMed below 0.00001.

Submission:

Labcorp Genetics (formerly Invitae), Labcorp
Classification: Uncertain significance for GLUT1 deficiency syndrome 1, autosomal recessive. Last evaluated: 2023-05-30. Review status: criteria provided, single submitter. Criteria: Invitae Variant Classification Sherloc (09022015). Collection method: clinical testing. Allele origin: germline.
Comment: This sequence change replaces isoleucine, which is neutral and non-polar, with valine, which is neutral and non-polar, at codon 297 of the SLC2A1 protein (p.Ile297Val). This variant is not present in population databases (gnomAD no frequency). This variant has not been reported in the literature in individuals affected with SLC2A1-related conditions. ClinVar contains an entry for this variant (Variation ID: 2088592). Advanced modeling of protein sequence and biophysical properties (such as structural, functional, and spatial information, amino acid conservation, physicochemical variation, residue mobility, and thermodynamic stability) performed at Invitae indicates that this missense variant is expected to disrupt SLC2A1 protein function. In summary, the available evidence is currently insufficient to determine the role of this variant in disease. Therefore, it has been classified as a Variant of Uncertain Significance.